The following is an entry in ClinVar:

NM_002454.3(MTRR):c.1953del (p.Asp652fs)

Gene: MTRR (5-methyltetrahydrofolate-homocysteine methyltransferase reductase; plus strand). Cytogenetic location: 5p15.31.
Variant type: Deletion.
Coding change: c.1953del on transcript NM_002454.3 (MANE Select); coding-DNA position 1953, one base deleted (A; older notation c.1953delA).
Protein change: p.Asp652fs; shifts the reading frame from aspartic acid 652.
Molecular consequence: frameshift variant. On other transcripts: non-coding transcript variant (14).
Genome position (GRCh38, 1-based): chr5:7,899,914, A deleted. VCF-style (leftmost placement, unchanged base first): chr5-7899913-GA-G. GRCh37 (hg19) VCF-style: chr5-7900026-GA-G.
Other names: c.1953del, p.Asp652fs (NM_001364440.2, NM_001364441.2, NM_001364442.2 and 1 more transcripts); short protein forms D652fs.
Identifiers: ClinVar variation 2128417 (VCV002128417.4), dbSNP rs2479172278, ClinGen allele CA2580073457.

ClinVar aggregate classification (germline): Uncertain significance (1 of 4 stars; one submission).

Conditions:
Methylcobalamin deficiency type cblE (HMAE). Also called: HOMOCYSTINURIA-MEGALOBLASTIC ANEMIA, cblE TYPE; HOMOCYSTINURIA-MEGALOBLASTIC ANEMIA, cblE COMPLEMENTATION TYPE; VITAMIN B12-RESPONSIVE HOMOCYSTINURIA, cblE TYPE. Identifiers: Orphanet 2169, Orphanet 622, MedGen C1856057, MONDO:0009354, OMIM 236270.

Submission:

Labcorp Genetics (formerly Invitae), Labcorp
Classification: Uncertain significance for Methylcobalamin deficiency type cblE. Last evaluated: 2022-06-07. Review status: criteria provided, single submitter. Criteria: Invitae Variant Classification Sherloc (09022015). Collection method: clinical testing. Allele origin: germline.
Comment: This sequence change creates a premature translational stop signal (p.Asp652Metfs*16) in the MTRR gene. While this is not anticipated to result in nonsense mediated decay, it is expected to disrupt the last 47 amino acid(s) of the MTRR protein. This variant is not present in population databases (gnomAD no frequency). This variant has not been reported in the literature in individuals affected with MTRR-related conditions. Experimental studies and prediction algorithms are not available or were not evaluated, and the functional significance of this variant is currently unknown. Algorithms developed to predict the effect of sequence changes on RNA splicing suggest that this variant may disrupt the consensus splice site. In summary, the available evidence is currently insufficient to determine the role of this variant in disease. Therefore, it has been classified as a Variant of Uncertain Significance.